The following is an entry in ClinVar:

NM_015459.5(ATL3):c.19G>C (p.Val7Leu)

Gene: ATL3 (atlastin GTPase 3; minus strand). Cytogenetic location: 11q13.1.
Variant type: single nucleotide variant.
Coding change: c.19G>C on transcript NM_015459.5 (MANE Select); coding-DNA position 19, G replaced by C.
Protein change: p.Val7Leu; replaces valine 7 with leucine.
Molecular consequence: missense variant. On other transcripts: intron variant (1).
Genome position (GRCh38, 1-based): chr11:63,671,317, C>G on the plus strand (G>C on the coding strand, the complement: ATL3 is on the minus strand). VCF-style: chr11-63671317-C-G. GRCh37 (hg19) VCF-style: chr11-63438789-C-G.
Other names: c.-9+319G>C (NM_001290048.2); short protein forms V7L.
Identifiers: ClinVar variation 2792319 (VCV002792319.3), dbSNP rs756899771, ClinGen allele CA6063909.

ClinVar aggregate classification (germline): Uncertain significance (1 of 4 stars; one submission).

Conditions:
Neuropathy, hereditary sensory, type 1F. Also called: Hereditary sensory neuropathy type IF; HSN IF. Identifiers: Orphanet 36386, MedGen C3810194, MONDO:0014286, OMIM 615632.

Allele frequency attached by ClinVar (database versions not stated): ExAC 0.00002.
gnomAD v4.1: 7 of 1,588,722 alleles (0.00044%); highest among the groups gnomAD compares: African/African-American, 0.0014%; no homozygotes.

Submission:

Labcorp Genetics (formerly Invitae), Labcorp
Classification: Uncertain significance for Neuropathy, hereditary sensory, type 1F. Last evaluated: 2022-11-15. Review status: criteria provided, single submitter. Criteria: Invitae Variant Classification Sherloc (09022015). Collection method: clinical testing. Allele origin: germline.
Comment: This variant has not been reported in the literature in individuals affected with ATL3-related conditions. In summary, the available evidence is currently insufficient to determine the role of this variant in disease. Therefore, it has been classified as a Variant of Uncertain Significance. Algorithms developed to predict the effect of missense changes on protein structure and function (SIFT, PolyPhen-2, Align-GVGD) all suggest that this variant is likely to be tolerated. This variant is present in population databases (rs756899771, gnomAD 0.001%). This sequence change replaces valine, which is neutral and non-polar, with leucine, which is neutral and non-polar, at codon 7 of the ATL3 protein (p.Val7Leu).